The following is an entry in ClinVar:

NM_000883.4(IMPDH1):c.134A>G (p.Tyr45Cys)

Genes: IMPDH1 (inosine monophosphate dehydrogenase 1; minus strand), LOC129999258 (ATAC-STARR-seq lymphoblastoid silent region 18606; plus strand). Cytogenetic location: 7q32.1.
Variant type: single nucleotide variant.
Coding change: c.134A>G on transcript NM_000883.4 (MANE Select); coding-DNA position 134, A replaced by G.
Protein change: p.Tyr45Cys; replaces tyrosine 45 with cysteine.
Molecular consequence: missense variant.
Genome position (GRCh38, 1-based): chr7:128,409,768, T>C on the plus strand (A>G on the coding strand, the complement: IMPDH1 is on the minus strand). VCF-style: chr7-128409768-T-C. GRCh37 (hg19) VCF-style: chr7-128049822-T-C.
Other names: c.134A>G, p.Tyr45Cys (NM_001102605.2, NM_001142576.2, NM_001304521.2 and 1 more transcripts); short protein forms Y45C.
Identifiers: ClinVar variation 3718817 (VCV003718817.3).

ClinVar aggregate classification (germline): Uncertain significance. Review status: criteria provided, multiple submitters, no conflicts (2 of 4 stars). 2 submissions from 2 submitters: Uncertain significance (2). Last evaluated 2024-07-12.

gnomAD v4.1: 8 of 1,522,064 alleles (0.00053%); highest among the groups gnomAD compares: Non-Finnish European, 0.0007%; no homozygotes.

Submissions (2):

Labcorp Genetics (formerly Invitae), Labcorp
Classification: Uncertain significance. Last evaluated: 2024-07-12. Review status: criteria provided, single submitter. Criteria: Invitae Variant Classification Sherloc (09022015). Collection method: clinical testing. Allele origin: germline.
Comment: This sequence change replaces tyrosine, which is neutral and polar, with cysteine, which is neutral and slightly polar, at codon 45 of the IMPDH1 protein (p.Tyr45Cys). The frequency data for this variant in the population databases is considered unreliable, as metrics indicate poor data quality at this position in the gnomAD database. This variant has not been reported in the literature in individuals affected with IMPDH1-related conditions. An algorithm developed to predict the effect of missense changes on protein structure and function outputs the following: PolyPhen-2: "Benign". The cysteine amino acid residue is found in multiple mammalian species, which suggests that this missense change does not adversely affect protein function. In summary, the available evidence is currently insufficient to determine the role of this variant in disease. Therefore, it has been classified as a Variant of Uncertain Significance.

Blueprint Genetics
Classification: Uncertain significance. Last evaluated: 2023-12-22. Review status: criteria provided, single submitter. Criteria: ACMG Guidelines, 2015. Collection method: clinical testing. Allele origin: germline.